The following is an entry in ClinVar:

ClinVar aggregate classification (germline): Uncertain significance (1 of 4 stars; one submission).

Conditions:
Inborn genetic diseases. Identifiers: MedGen C0950123, MeSH D030342.

Submission:

Ambry Genetics
Classification: Uncertain significance for Inborn genetic diseases. Last evaluated: 2022-03-02. Review status: criteria provided, single submitter. Criteria: Ambry Variant Classification Scheme 2023. Collection method: clinical testing. Allele origin: germline.
Comment: The p.E896K variant (also known as c.2686G>A), located in coding exon 20 of the LRRK2 gene, results from a G to A substitution at nucleotide position 2686. The glutamic acid at codon 896 is replaced by lysine, an amino acid with similar properties. This amino acid position is conserved. In addition, the in silico prediction for this alteration is inconclusive. Since supporting evidence is limited at this time, the clinical significance of this alteration remains unclear.

NM_198578.4(LRRK2):c.2686G>A (p.Glu896Lys)

Gene: LRRK2 (leucine rich repeat kinase 2; plus strand). Cytogenetic location: 12q12.
Variant type: single nucleotide variant.
Coding change: c.2686G>A on transcript NM_198578.4 (MANE Select); coding-DNA position 2686, G replaced by A.
Protein change: p.Glu896Lys; replaces glutamic acid 896 with lysine.
Molecular consequence: missense variant.
Genome position (GRCh38, 1-based): chr12:40,287,536, G>A. VCF-style: chr12-40287536-G-A. GRCh37 (hg19) VCF-style: chr12-40681338-G-A.
Other names: short protein forms E896K.
Identifiers: ClinVar variation 1794730 (VCV001794730.2), dbSNP rs2499680739, ClinGen allele CA384409297.